The following is an entry in ClinVar:

ClinVar aggregate classification (germline): Conflicting classifications of pathogenicity. Review status: criteria provided, conflicting classifications (1 of 4 stars). 11 submissions from 11 submitters: Uncertain significance (1); Benign (8). 2 of the submissions do not count toward it. Last evaluated 2026-02-04.

Conditions:
Hypogonadotropic hypogonadism. Also called: Hypogonadotrophic hypogonadism; Isolated hypogonadotropic hypogonadism; Hypogonadotropic hypogonadism with or without anosmia; Low gonadotropins (secondary hypogonadism). Identifiers: Orphanet 432, MedGen C0271623, MONDO:0018555, HP:0000044.
Hypogonadotropic hypogonadism 1 with or without anosmia (HH1). Also called: Hypogonadotropic hypogonadism 1 with or without anosmia (Kallmann syndrome 1); Kallmann syndrome, type 1, X-linked; DYSPLASIA OLFACTOGENITALIS OF DE MORSIER; KAL1-Related GnRH Deficiency (Kallmann Syndrome 1; Kallmann Syndrome, X-Linked); HYPOGONADOTROPIC HYPOGONADISM 1 WITH ANOSMIA; HYPOGONADOTROPIC HYPOGONADISM AND ANOSMIA. Identifiers: Orphanet 478, MedGen C1563719, MONDO:0010635, OMIM 308700. Disease mechanism: loss of function.

Allele frequency attached by ClinVar (database versions not stated): 1000 Genomes Project 30x 0.48450; 1000 Genomes Project 0.48821; TOPMed 0.53258; gnomAD 0.56041; ESP Exome Variant Server 0.56357; ExAC 0.59157.

Submissions (11):

Labcorp Genetics (formerly Invitae), Labcorp
Classification: Benign for Hypogonadotropic hypogonadism 1 with or without anosmia. Last evaluated: 2026-02-04. Review status: criteria provided, single submitter. Criteria: Invitae Variant Classification Sherloc (09022015). Collection method: clinical testing. Allele origin: germline.

Cambridge Genomics Laboratory, East Genomic Laboratory Hub, NHS Genomic Medicine Service
Classification: Uncertain significance for Hypogonadotropic hypogonadism. Last evaluated: 2025-10-02. Review status: criteria provided, single submitter. Criteria: ACGS Best Practice Guidelines for Variant Classification in Rare Disease 2020. Collection method: clinical testing. Allele origin: germline. Affected: yes.
Comment: PM2,BP4

Blueprint Genetics
Classification: Benign. Last evaluated: 2024-11-28. Review status: criteria provided, single submitter. Criteria: ACMG Guidelines, 2015. Collection method: clinical testing. Allele origin: germline.

Mayo Clinic Laboratories, Mayo Clinic
Classification: Benign. Last evaluated: 2022-03-09. Review status: criteria provided, single submitter. Criteria: ACMG Guidelines, 2015. Collection method: clinical testing. Allele origin: germline. Observed: 50 variant alleles.

Genome-Nilou Lab
Classification: Benign for Hypogonadotropic hypogonadism 1 with or without anosmia. Last evaluated: 2021-08-19. Review status: criteria provided, single submitter. Criteria: ACMG Guidelines, 2015. Collection method: clinical testing. Allele origin: germline. Affected: no.

Athena Diagnostics
Classification: Benign. Last evaluated: 2017-07-27. Review status: criteria provided, single submitter. Criteria: Athena Diagnostics Criteria. Collection method: clinical testing. Allele origin: germline.

GeneDx
Classification: Benign. Last evaluated: 2015-03-03. Review status: criteria provided, single submitter. Criteria: GeneDx Variant Classification Process June 2021. Collection method: clinical testing. Allele origin: germline. Affected: yes.

Breakthrough Genomics
Classification: Benign. Review status: criteria provided, single submitter. Criteria: ACMG Guidelines, 2015. Collection method: not provided. Allele origin: germline. Inheritance: X-linked inheritance. Affected: yes.

PreventionGenetics, part of Exact Sciences
Classification: Benign. Review status: criteria provided, single submitter. Criteria: ACMG Guidelines, 2015. Collection method: clinical testing. Allele origin: germline.

Clinical Genetics, Academic Medical Center
Classification: Benign. Review status: no assertion criteria provided. Collection method: clinical testing. Allele origin: germline. Affected: yes. Study: VKGL Data-share Consensus. Not counted in ClinVar's aggregate classification.

Diagnostic Laboratory, Department of Genetics, University Medical Center Groningen
Classification: Benign. Review status: no assertion criteria provided. Collection method: clinical testing. Allele origin: germline. Affected: yes. Study: VKGL Data-share Consensus. Not counted in ClinVar's aggregate classification.

NM_000216.4(ANOS1):c.1600G>A (p.Val534Ile)

Gene: ANOS1 (anosmin 1; minus strand). Cytogenetic location: Xp22.31.
Variant type: single nucleotide variant.
Coding change: c.1600G>A on transcript NM_000216.4 (MANE Select); coding-DNA position 1600, G replaced by A.
Protein change: p.Val534Ile; replaces valine 534 with isoleucine.
Molecular consequence: missense variant.
Genome position (GRCh38, 1-based): chrX:8,536,792, C>T on the plus strand (G>A on the coding strand, the complement: ANOS1 is on the minus strand). VCF-style: chrX-8536792-C-T. GRCh37 (hg19) VCF-style: chrX-8504833-C-T.
Other names: short protein forms V534I.
Identifiers: ClinVar variation 255563 (VCV000255563.21), dbSNP rs808119, ClinGen allele CA10343587.
Genomic context (GRCh38, chrX:8,536,792, plus strand): 5'-GTAGACCTAGATGTAGAAGTCCTTCAGGTGAAAACGTACCTGCTTCGCCCAGGCAGCCAA[C>T]AGGCTTGTGGCTCTTCCCCTTAAGAGCAGAGCATGGTGGAGTAGTGAAGAAAACAGCTTC-3'
Protein context (NP_000207.2, residues 524-544): SALKGKSHKP[Val534Ile]GCLGEAGHVL